The following is an entry in ClinVar:

NM_016111.4(TELO2):c.1819C>T (p.Arg607Trp)

Gene: TELO2 (telomere maintenance 2; plus strand). Cytogenetic location: 16p13.3.
Variant type: single nucleotide variant.
Coding change: c.1819C>T on transcript NM_016111.4 (MANE Select); coding-DNA position 1819, C replaced by T.
Protein change: p.Arg607Trp; replaces arginine 607 with tryptophan.
Molecular consequence: missense variant.
Genome position (GRCh38, 1-based): chr16:1,502,979, C>T. VCF-style: chr16-1502979-C-T. GRCh37 (hg19) VCF-style: chr16-1552980-C-T.
Other names: c.1819C>T, p.Arg607Trp (NM_001351846.2); short protein forms R607W.
Identifiers: ClinVar variation 722324 (VCV000722324.11), dbSNP rs146401595, ClinGen allele CA7812347.

ClinVar aggregate classification (germline): Likely benign. Review status: criteria provided, single submitter (1 of 4 stars). 2 submissions from 2 submitters: Likely benign (1). 1 of the submissions does not count toward it. Last evaluated 2026-01-25.

Conditions:
TELO2-related disorder. Also called: TELO2-related condition.

Allele frequency attached by ClinVar (database versions not stated): TOPMed 0.00058; ESP Exome Variant Server 0.00069; 1000 Genomes Project 30x 0.00078; gnomAD 0.00098 and 0.00103; 1000 Genomes Project 0.00100; ExAC 0.00113; gnomAD exomes 0.00119.
gnomAD v4.1: 2,086 of 1,611,104 alleles (0.13%); highest among the groups gnomAD compares: South Asian, 0.23%; 6 homozygotes.

Submissions (2):

Labcorp Genetics (formerly Invitae), Labcorp
Classification: Likely benign. Last evaluated: 2026-01-25. Review status: criteria provided, single submitter. Criteria: Invitae Variant Classification Sherloc (09022015). Collection method: clinical testing. Allele origin: germline.

PreventionGenetics, part of Exact Sciences
Classification: Likely benign for TELO2-related condition. Last evaluated: 2019-03-04. Review status: no assertion criteria provided. Collection method: clinical testing. Allele origin: germline. Not counted in ClinVar's aggregate classification.
Comment: This variant is classified as likely benign based on ACMG/AMP sequence variant interpretation guidelines (Richards et al. 2015 PMID: 25741868, with internal and published modifications).